The following is an entry in ClinVar:

NM_015158.5(KANK1):c.1150A>G (p.Ser384Gly)

Gene: KANK1 (KN motif and ankyrin repeat domains 1; plus strand). Cytogenetic location: 9p24.3.
Variant type: single nucleotide variant.
Coding change: c.1150A>G on transcript NM_015158.5 (MANE Select); coding-DNA position 1150, A replaced by G.
Protein change: p.Ser384Gly; replaces serine 384 with glycine.
Molecular consequence: missense variant. On other transcripts: non-coding transcript variant (1).
Genome position (GRCh38, 1-based): chr9:711,916, A>G. VCF-style: chr9-711916-A-G. GRCh37 (hg19) VCF-style: chr9-711916-A-G.
Other names: c.676A>G, p.Ser226Gly (NM_001354339.2, NM_001354340.2, NM_001354341.2 and 9 more transcripts); c.1150A>G, p.Ser384Gly (NM_001256876.3, NM_001256877.3, NM_001354331.2 and 2 more transcripts); short protein forms S226G, S384G.
Identifiers: ClinVar variation 3656971 (VCV003656971.2).

ClinVar aggregate classification (germline): Uncertain significance (1 of 4 stars; one submission).

Submission:

Labcorp Genetics (formerly Invitae), Labcorp
Classification: Uncertain significance. Last evaluated: 2024-06-19. Review status: criteria provided, single submitter. Criteria: Invitae Variant Classification Sherloc (09022015). Collection method: clinical testing. Allele origin: germline.
Comment: This sequence change replaces serine, which is neutral and polar, with glycine, which is neutral and non-polar, at codon 384 of the KANK1 protein (p.Ser384Gly). This variant is not present in population databases (gnomAD no frequency). This variant has not been reported in the literature in individuals affected with KANK1-related conditions. Advanced modeling of protein sequence and biophysical properties (such as structural, functional, and spatial information, amino acid conservation, physicochemical variation, residue mobility, and thermodynamic stability) has been performed at Invitae for this missense variant, however the output from this modeling did not meet the statistical confidence thresholds required to predict the impact of this variant on KANK1 protein function. In summary, the available evidence is currently insufficient to determine the role of this variant in disease. Therefore, it has been classified as a Variant of Uncertain Significance.